The following is an entry in ClinVar:

NM_004273.5(CHST3):c.422C>T (p.Thr141Met)

Gene: CHST3 (carbohydrate sulfotransferase 3; plus strand). Cytogenetic location: 10q22.1.
Variant type: single nucleotide variant.
Coding change: c.422C>T on transcript NM_004273.5 (MANE Select); coding-DNA position 422, C replaced by T.
Protein change: p.Thr141Met; replaces threonine 141 with methionine.
Molecular consequence: missense variant.
Genome position (GRCh38, 1-based): chr10:72,007,453, C>T. VCF-style: chr10-72007453-C-T. GRCh37 (hg19) VCF-style: chr10-73767211-C-T.
Other names: short protein forms T141M.
Identifiers: ClinVar variation 6048 (VCV000006048.8), dbSNP rs267606735, ClinGen allele CA253733.
Genomic context (GRCh38, chr10:72,007,453, plus strand): 5'-AGGAGCCGCCCAGACCGGCCGTGGCGGGGCCCCGGCGCCACGTGCTGCTCATGGCCACCA[C>T]GCGCACCGGCTCCTCGTTCGTGGGCGAGTTCTTCAACCAGCAGGGCAACATCTTCTACCT-3'
Protein context (NP_004264.2, residues 131-151): PRRHVLLMAT[Thr141Met]RTGSSFVGEF

ClinVar aggregate classification (germline): Uncertain significance. Review status: criteria provided, single submitter (1 of 4 stars). 2 submissions from 2 submitters: Uncertain significance (1). 1 of the submissions does not count toward it. Last evaluated 2022-03-11.

Conditions:
Spondyloepiphyseal dysplasia with congenital joint dislocations (SEDCJD). Also called: Chondrodysplasia with Congenital Joint Dislocations, CHST3-Related. Identifiers: Orphanet 263463, MedGen C1837657, MONDO:0007738, OMIM 143095.

Allele frequency attached by ClinVar (database versions not stated): gnomAD exomes below 0.00001; TOPMed below 0.00001.
gnomAD v4.1: 4 of 1,603,236 alleles (0.00025%); highest among the groups gnomAD compares: Non-Finnish European, 0.00034%; no homozygotes.

Submissions (2):

Labcorp Genetics (formerly Invitae), Labcorp
Classification: Uncertain significance for Spondyloepiphyseal dysplasia with congenital joint dislocations. Last evaluated: 2022-03-11. Review status: criteria provided, single submitter. Criteria: Invitae Variant Classification Sherloc (09022015). Collection method: clinical testing. Allele origin: germline.
Comment: This sequence change replaces threonine, which is neutral and polar, with methionine, which is neutral and non-polar, at codon 141 of the CHST3 protein (p.Thr141Met). The frequency data for this variant in the population databases is considered unreliable, as metrics indicate poor data quality at this position in the gnomAD database. This missense change has been observed in individual(s) with spondyloepiphyseal dysplasia (PMID: 19320654). ClinVar contains an entry for this variant (Variation ID: 6048). Algorithms developed to predict the effect of missense changes on protein structure and function are either unavailable or do not agree on the potential impact of this missense change (SIFT: "Tolerated"; PolyPhen-2: "Probably Damaging"; Align-GVGD: "Class C0"). Experimental studies have shown that this missense change affects CHST3 function (PMID: 19320654). In summary, the available evidence is currently insufficient to determine the role of this variant in disease. Therefore, it has been classified as a Variant of Uncertain Significance.

OMIM
Classification: Pathogenic for SPONDYLOEPIPHYSEAL DYSPLASIA WITH CONGENITAL JOINT DISLOCATIONS. Last evaluated: 2009-04-01. Review status: no assertion criteria provided. Collection method: literature only. Allele origin: germline. Not counted in ClinVar's aggregate classification.

Literature cited by the submitters: PubMed 19320654 (cited by Labcorp Genetics (formerly Invitae), Labcorp and OMIM).